The following is an entry in ClinVar:

NM_178812.4(MTDH):c.1717_1721del (p.Lys573fs)

Gene: MTDH (metadherin; plus strand). Cytogenetic location: 8q22.1.
Variant type: Deletion.
Coding change: c.1717_1721del on transcript NM_178812.4 (MANE Select); coding-DNA positions 1717 to 1721, 5 bases deleted (AAAAA; older notation c.1717_1721delAAAAA).
Protein change: p.Lys573fs; shifts the reading frame from lysine 573.
Molecular consequence: frameshift variant.
Genome position (GRCh38, 1-based): chr8:97,724,638-97,724,642, AAAAA deleted; deleting any 5 consecutive bases within chr8:97,724,637-97,724,642 gives the same sequence; the c. name uses the placement nearest the transcript's 3' end. VCF-style (leftmost placement, unchanged base first): chr8-97724636-TAAAAA-T. GRCh37 (hg19) VCF-style: chr8-98736864-TAAAAA-T.
Other names: c.1651_1655del, p.Lys551fs (NM_001363136.1); c.1807_1811del, p.Lys603fs (NM_001363137.1); c.1618_1622del, p.Lys540fs (NM_001363138.1); c.1552_1556del, p.Lys518fs (NM_001363139.1); short protein forms K518fs, K540fs, K551fs, K573fs, K603fs.
Identifiers: ClinVar variation 2658703 (VCV002658703.24), dbSNP rs768437817, ClinGen allele CA2688016519.

ClinVar aggregate classification (germline): Uncertain significance (1 of 4 stars; one submission).

Submission:

CeGaT Center for Human Genetics Tuebingen
Classification: Uncertain significance. Last evaluated: 2023-03-01. Review status: criteria provided, single submitter. Criteria: CeGaT Center For Human Genetics Tuebingen Variant Classification Criteria Version 2. Collection method: clinical testing. Allele origin: germline. Affected: yes. Observed: 1 variant allele.
Comment: MTDH: PM2